The following is an entry in ClinVar:

NM_015202.5(KATNIP):c.4771G>A (p.Ala1591Thr)

Gene: KATNIP (katanin interacting protein; plus strand). Cytogenetic location: 16p12.1.
Variant type: single nucleotide variant.
Coding change: c.4771G>A on transcript NM_015202.5 (MANE Select); coding-DNA position 4771, G replaced by A.
Protein change: p.Ala1591Thr; replaces alanine 1591 with threonine.
Molecular consequence: missense variant.
Genome position (GRCh38, 1-based): chr16:27,777,939, G>A. VCF-style: chr16-27777939-G-A. GRCh37 (hg19) VCF-style: chr16-27789260-G-A.
Other names: c.4771G>A (NM_015202.2); short protein forms A1591T.
Identifiers: ClinVar variation 2418466 (VCV002418466.7), dbSNP rs773490373, ClinGen allele CA7978763.

ClinVar aggregate classification (germline): Uncertain significance. Review status: criteria provided, multiple submitters, no conflicts (2 of 4 stars). 2 submissions from 2 submitters: Uncertain significance (2). Last evaluated 2024-08-19.

Allele frequency attached by ClinVar (database versions not stated): ExAC 0.00003; gnomAD 0.00007; TOPMed 0.00012.
gnomAD v4.1: 32 of 1,613,950 alleles (0.002%); highest among the groups gnomAD compares: Admixed American, 0.025%; no homozygotes.

Submissions (2):

Ambry Genetics
Classification: Uncertain significance. Last evaluated: 2024-08-19. Review status: criteria provided, single submitter. Criteria: Ambry Variant Classification Scheme 2023. Collection method: clinical testing. Allele origin: germline.

Labcorp Genetics (formerly Invitae), Labcorp
Classification: Uncertain significance. Last evaluated: 2022-07-01. Review status: criteria provided, single submitter. Criteria: Invitae Variant Classification Sherloc (09022015). Collection method: clinical testing. Allele origin: germline.
Comment: In summary, the available evidence is currently insufficient to determine the role of this variant in disease. Therefore, it has been classified as a Variant of Uncertain Significance. Algorithms developed to predict the effect of missense changes on protein structure and function (SIFT, PolyPhen-2, Align-GVGD) all suggest that this variant is likely to be tolerated. This variant has not been reported in the literature in individuals affected with KIAA0556-related conditions. This variant is present in population databases (rs773490373, gnomAD 0.02%). This sequence change replaces alanine, which is neutral and non-polar, with threonine, which is neutral and polar, at codon 1591 of the KIAA0556 protein (p.Ala1591Thr).